The following is an entry in ClinVar:

NM_013386.5(SLC25A24):c.184-6636A>G

Gene: SLC25A24 (solute carrier family 25 member 24; minus strand). Cytogenetic location: 1p13.3.
Variant type: single nucleotide variant.
Coding change: c.184-6636A>G on transcript NM_013386.5 (MANE Select); 6636 bases into the intron before coding-DNA position 184, A replaced by G.
Molecular consequence: intron variant. On other transcripts: missense variant (1).
Genome position (GRCh38, 1-based): chr1:108,192,590, T>C on the plus strand (A>G on the coding strand, the complement: SLC25A24 is on the minus strand). VCF-style: chr1-108192590-T-C. GRCh37 (hg19) VCF-style: chr1-108735212-T-C.
Other names: c.32A>G, p.Tyr11Cys (NM_213651.3); c.32A>G (NM_213651.2); short protein forms Y11C.
Identifiers: ClinVar variation 1267873 (VCV001267873.7), dbSNP rs79735952, ClinGen allele CA979409.

ClinVar aggregate classification (germline): Benign. Review status: criteria provided, multiple submitters, no conflicts (2 of 4 stars). 4 submissions from 4 submitters: Benign (3). 1 of the submissions does not count toward it. Last evaluated 2021-05-25.

Conditions:
SLC25A24-related disorder. Also called: SLC25A24-related condition.

Allele frequency attached by ClinVar (database versions not stated): 1000 Genomes Project 30x 0.01499; gnomAD 0.01591 and 0.01699; ESP Exome Variant Server 0.02019; gnomAD exomes 0.00421; ExAC 0.00509; 1000 Genomes Project 0.01418.
gnomAD v4.1: 4,199 of 1,497,910 alleles (0.28%); highest among the groups gnomAD compares: African/African-American, 5%; 505 homozygotes.

Submissions (4):

GeneDx
Classification: Benign. Last evaluated: 2021-05-25. Review status: criteria provided, single submitter. Criteria: GeneDx Variant Classification Process June 2021. Collection method: clinical testing. Allele origin: germline. Affected: yes.

Dubai Health Genomic Medicine Center, Dubai Health
Classification: Benign. Last evaluated: 2019-12-30. Review status: criteria provided, single submitter. Criteria: ACMG Guidelines, 2015. Collection method: clinical testing. Allele origin: germline. Affected: yes.

Breakthrough Genomics
Classification: Benign. Review status: criteria provided, single submitter. Criteria: ACMG Guidelines, 2015. Collection method: not provided. Allele origin: germline. Inheritance: Autosomal dominant inheritance. Affected: yes.

PreventionGenetics, part of Exact Sciences
Classification: Benign for SLC25A24-related condition. Last evaluated: 2019-06-10. Review status: no assertion criteria provided. Collection method: clinical testing. Allele origin: germline. Not counted in ClinVar's aggregate classification.
Comment: This variant is classified as benign based on ACMG/AMP sequence variant interpretation guidelines (Richards et al. 2015 PMID: 25741868, with internal and published modifications).